The following is an entry in ClinVar:

ClinVar aggregate classification (germline): Uncertain significance. Review status: criteria provided, multiple submitters, no conflicts (2 of 4 stars). 4 submissions from 4 submitters: Uncertain significance (4). Last evaluated 2026-03-05.

Conditions:
LOXHD1-related disorder. Also called: LOXHD1-related condition.
Autosomal recessive nonsyndromic hearing loss 77. Identifiers: Orphanet 90636, MedGen C2746083, MONDO:0013119, OMIM 613079.

Allele frequency attached by ClinVar (database versions not stated): gnomAD 0.00001 and 0.00002; gnomAD exomes 0.00001 and 0.00004; TOPMed 0.00002; ExAC 0.00004; 1000 Genomes Project 0.00020; 1000 Genomes Project 30x 0.00031.
gnomAD v4.1: 19 of 1,552,052 alleles (0.0012%); highest among the groups gnomAD compares: East Asian, 0.015%; no homozygotes.

Submissions (4):

PreventionGenetics, part of Exact Sciences
Classification: Uncertain significance for LOXHD1-related condition. Last evaluated: 2026-03-05. Review status: criteria provided, single submitter. Criteria: ACMG Guidelines, 2015. Collection method: clinical testing. Allele origin: germline.
Comment: The LOXHD1 c.3161C>T variant is predicted to result in the amino acid substitution p.Thr1054Met. To our knowledge, this variant has not been reported in the literature. This variant is reported in 0.031% of alleles in individuals of East Asian descent in gnomAD. At this time, the clinical significance of this variant is uncertain due to the absence of conclusive functional and genetic evidence.

Fulgent Genetics
Classification: Uncertain significance for Autosomal recessive nonsyndromic hearing loss 77. Last evaluated: 2022-04-07. Review status: criteria provided, single submitter. Criteria: ACMG Guidelines, 2015. Collection method: clinical testing. Allele origin: unknown.

Labcorp Genetics (formerly Invitae), Labcorp
Classification: Uncertain significance. Last evaluated: 2021-11-15. Review status: criteria provided, single submitter. Criteria: Invitae Variant Classification Sherloc (09022015). Collection method: clinical testing. Allele origin: germline.
Comment: This sequence change replaces threonine, which is neutral and polar, with methionine, which is neutral and non-polar, at codon 1054 of the LOXHD1 protein (p.Thr1054Met). This variant is present in population databases (rs555210209, gnomAD 0.03%). This variant has not been reported in the literature in individuals affected with LOXHD1-related conditions. ClinVar contains an entry for this variant (Variation ID: 873467). Algorithms developed to predict the effect of missense changes on protein structure and function are either unavailable or do not agree on the potential impact of this missense change (SIFT: "Deleterious"; PolyPhen-2: "Probably Damaging"; Align-GVGD: "Class C0"). In summary, the available evidence is currently insufficient to determine the role of this variant in disease. Therefore, it has been classified as a Variant of Uncertain Significance.

UNC Molecular Genetics  Laboratory, University of North Carolina at Chapel Hill
Classification: Uncertain significance for Deafness, autosomal recessive 77. Review status: criteria provided, single submitter. Criteria: ACMG Guidelines, 2015. Collection method: research. Allele origin: germline. Affected: yes. Observed: 1 variant allele. Study: NSIGHT-NC NEXUS.
Comment: The LOXHD1 c.3161C>T (p.T1054M) missense variant has not been reported in association with hearing loss; therefore is a variant of uncertain significance.

NM_001384474.1(LOXHD1):c.3161C>T (p.Thr1054Met)

Gene: LOXHD1 (lipoxygenase homology PLAT domains 1; minus strand). Cytogenetic location: 18q21.1.
Variant type: single nucleotide variant.
Coding change: c.3161C>T on transcript NM_001384474.1 (MANE Select); coding-DNA position 3161, C replaced by T.
Protein change: p.Thr1054Met; replaces threonine 1054 with methionine.
Molecular consequence: missense variant.
Genome position (GRCh38, 1-based): chr18:46,559,503, G>A on the plus strand (C>T on the coding strand, the complement: LOXHD1 is on the minus strand). VCF-style: chr18-46559503-G-A. GRCh37 (hg19) VCF-style: chr18-44139466-G-A.
Other names: c.3161C>T, p.Thr1054Met (NM_144612.7); c.-605C>T (NM_001145472.3); short protein forms T1054M.
Identifiers: ClinVar variation 873467 (VCV000873467.5), dbSNP rs555210209, ClinGen allele CA8952552.
Genomic context (GRCh38, chr18:46,559,503, plus strand): 5'-CCTACCTGCCCCTGCTCAAATTTGTTGGACTTGTCTGACTTCTTCAGGGGTCGTTCGCCC[G>A]TGTCTCCATACTCCTCGCCGTAGATGGTTAGGTAGACGTTAGCATCAGTGCCGGCCTTGG-3'
Protein context (NP_001371403.1, residues 1044-1064): LTIYGEEYGD[Thr1054Met]GERPLKKSDK